The following is an entry in ClinVar:

Single allele

Gene: DMD (dystrophin; minus strand). Cytogenetic location: Xp21.1.
Variant type: Deletion.
Identifiers: ClinVar variation 1807249 (VCV001807249.1).

ClinVar aggregate classification (germline): Pathogenic (1 of 4 stars; one submission).

Submission:

Athena Diagnostics
Classification: Pathogenic. Last evaluated: 2021-06-11. Review status: criteria provided, single submitter. Criteria: Athena Diagnostics Criteria. Collection method: clinical testing. Allele origin: unknown.
Comment: This variant is expected to result in the loss of a functional protein. Similar variants have not been reported in large, multi-ethnic general populations (Genome Aggregation Database (gnomAD), Cambridge, MA (URL)). Similar deletions of exons 42-43 have been reported in patients with Becker muscular dystrophy (BMD), Duchenne muscular dystrophy (DMD), and an intermediate dystrophinopathy (IMD).

Literature cited by the submitters: PubMed 8543940; PubMed 21896784; PubMed 24217213; PubMed 19937601; PubMed 27245531; PubMed 28610567; PubMed 25761239; PubMed 15655674; PubMed 18752307.